The following is an entry in ClinVar:

NM_000257.4(MYH7):c.5684A>G (p.Lys1895Arg)

Gene: MYH7 (myosin heavy chain 7; minus strand). Cytogenetic location: 14q11.2.
Variant type: single nucleotide variant.
Coding change: c.5684A>G on transcript NM_000257.4 (MANE Select); coding-DNA position 5684, A replaced by G.
Protein change: p.Lys1895Arg; replaces lysine 1895 with arginine.
Molecular consequence: missense variant.
Genome position (GRCh38, 1-based): chr14:23,413,865, T>C on the plus strand (A>G on the coding strand, the complement: MYH7 is on the minus strand). VCF-style: chr14-23413865-T-C. GRCh37 (hg19) VCF-style: chr14-23883074-T-C.
Other names: c.5684A>G, p.Lys1895Arg (NM_001407004.1); short protein forms K1895R.
Identifiers: ClinVar variation 3070702 (VCV003070702.1), dbSNP rs868275632, ClinGen allele CA257807584.
Genomic context (GRCh38, chr14:23,413,865, plus strand): 5'-GACTCGGCGATGTCCGCCCGCTCCTCTGCCTCATCCAGCTCGTGCTGCACCTTGCGGAAC[T>C]TGGACAGGTTGGTGTTGGCTTGCTCCTCCTGCGGGAGGTGGGAGCATGAGGTGAGAGGGG-3'
Protein context (NP_000248.2, residues 1885-1905): AEEQANTNLS[Lys1895Arg]FRKVQHELDE

ClinVar aggregate classification (germline): Uncertain significance (1 of 4 stars; one submission).

Conditions:
Cardiomyopathy (CMYO). Also called: Cardiomyopathies. Identifiers: Orphanet 167848, MedGen C0878544, MONDO:0004994, HP:0001638. Inheritance: Various modes of inheritance.

Submission:

All of Us Research Program, National Institutes of Health
Classification: Uncertain significance for Cardiomyopathy. Last evaluated: 2023-05-04. Review status: criteria provided, single submitter. Criteria: ACMG Guidelines, 2015. Collection method: clinical testing. Allele origin: germline. Inheritance: Autosomal dominant inheritance. Observed: 1 variant allele, 1 heterozygote.
Comment: This missense variant replaces lysine with arginine at codon 1895 of the MYH7 protein. Computational prediction suggests that this variant may not impact protein structure and function (internally defined REVEL score threshold <= 0.5, PMID: 27666373). To our knowledge, functional studies have not been reported for this variant. This variant has not been reported in individuals affected with MYH7-related disorders in the literature. This variant has not been identified in the general population by the Genome Aggregation Database (gnomAD). The available evidence is insufficient to determine the role of this variant in disease conclusively. Therefore, this variant is classified as a Variant of Uncertain Significance.

This study involves interpretation of variants in research participants for the purpose of population health screening. Participant phenotype was not available at the time of variant classification. Additional details can be found in publication PMID: 35346344, PMCID: PMC8962531